The following is an entry in ClinVar:

NM_001291088.2(WDR87):c.6539G>A (p.Arg2180Gln)

Gene: WDR87 (WD repeat domain 87; minus strand). Cytogenetic location: 19q13.13.
Variant type: single nucleotide variant.
Coding change: c.6539G>A on transcript NM_001291088.2 (MANE Select); coding-DNA position 6539, G replaced by A.
Protein change: p.Arg2180Gln; replaces arginine 2180 with glutamine.
Molecular consequence: missense variant.
Genome position (GRCh38, 1-based): chr19:37,887,132, C>T on the plus strand (G>A on the coding strand, the complement: WDR87 is on the minus strand). VCF-style: chr19-37887132-C-T. GRCh37 (hg19) VCF-style: chr19-38377772-C-T.
Other names: c.6422G>A, p.Arg2141Gln (NM_031951.5); short protein forms R2180Q, R2141Q.
Identifiers: ClinVar variation 769971 (VCV000769971.35), dbSNP rs112783899, ClinGen allele CA9408507.
Genomic context (GRCh38, chr19:37,887,132, plus strand): 5'-GTCATTTTTTCTTCTTTGTTTATCATTCTTCTCATTTTGTTGGCCAGTTTTCTCTGCTTC[C>T]GAGCCAGTTTCTTCTCATCTTTAGTCAGTTCTGATCGTTTTTCAGAAAAATCCCACTCTT-3'
Protein context (NP_001278017.1, residues 2170-2190): ELTKDEKKLA[Arg2180Gln]KQRKLANKMR

ClinVar aggregate classification (germline): Benign/Likely benign. Review status: criteria provided, multiple submitters, no conflicts (2 of 4 stars). 4 submissions from 4 submitters: Benign (2); Likely benign (2). Last evaluated 2025-12-19.

Allele frequency attached by ClinVar (database versions not stated): 1000 Genomes Project 0.00379; 1000 Genomes Project 30x 0.00406; TOPMed 0.00898; gnomAD 0.00909 and 0.00920; gnomAD exomes 0.00981; ExAC 0.00988.
gnomAD v4.1: 21,121 of 1,550,108 alleles (1.4%); highest among the groups gnomAD compares: Non-Finnish European, 1.6%; 146 homozygotes.

Submissions (4):

Labcorp Genetics (formerly Invitae), Labcorp
Classification: Benign. Last evaluated: 2025-12-19. Review status: criteria provided, single submitter. Criteria: Invitae Variant Classification Sherloc (09022015). Collection method: clinical testing. Allele origin: germline.

CeGaT Center for Human Genetics Tuebingen
Classification: Benign. Last evaluated: 2022-11-01. Review status: criteria provided, single submitter. Criteria: CeGaT Center For Human Genetics Tuebingen Variant Classification Criteria Version 2. Collection method: clinical testing. Allele origin: germline. Affected: yes. Observed: 1 variant allele.
Comment: WDR87: PP2, BP4, BS1, BS2

GeneDx
Classification: Likely benign. Last evaluated: 2021-02-02. Review status: criteria provided, single submitter. Criteria: GeneDx Variant Classification Process June 2021. Collection method: clinical testing. Allele origin: germline. Affected: yes.

Breakthrough Genomics
Classification: Likely benign. Review status: criteria provided, single submitter. Criteria: ACMG Guidelines, 2015. Collection method: not provided. Allele origin: germline. Inheritance: Unknown mechanism. Affected: yes.